The following is an entry in ClinVar:

ClinVar aggregate classification (germline): Likely pathogenic (1 of 4 stars; one submission).

Conditions:
Pelizaeus-Merzbacher disease. Also called: LEUKODYSTROPHY, HYPOMYELINATING, 1; Sudanophilic leukodystrophy; Pelizaeus-Merzbacher spectrum disorder; Pelizaeus-Merzbacher Disease (PMD); Pelizeaus-Merzbacher spectrum disorder. Identifiers: Orphanet 702, MedGen C0205711, MONDO:0010714, OMIM 312080, HP:0003269.

Submission:

Molecular Diagnostics Lab, Nemours Children's Health, Delaware
Classification: Likely pathogenic for Pelizaeus-Merzbacher disease. Last evaluated: 2021-12-15. Review status: criteria provided, single submitter. Criteria: ACMG Guidelines, 2015. Collection method: clinical testing. Allele origin: maternal, unknown. Inheritance: X-linked inheritance. Affected: yes and no. Observed: 1 heterozygote, 2 hemizygotes. Clinical features observed: Global developmental delay (HP:0001263), Spasticity (HP:0001257).
Comment: This variant (c.51_54del, p.Ser18Trpfs*28) results in a frameshift to a premature termination. It has not been seen in population databases (gnomAD), and no functional studies have been published. It has been found in two affected male siblings and is carried by their mother.

Literature cited by the submitters: PubMed 20186781.

NM_000533.5(PLP1):c.51_54del (p.Ser18fs)

Genes: PLP1 (proteolipid protein 1; plus strand), RAB9B (RAB9B, member RAS oncogene family; minus strand). Cytogenetic location: Xq22.2.
Variant type: Deletion.
Coding change: c.51_54del on transcript NM_000533.5 (MANE Select); coding-DNA positions 51 to 54, 4 bases deleted (TTCC; older notation c.51_54delTTCC).
Protein change: p.Ser18fs; shifts the reading frame from serine 18.
Molecular consequence: frameshift variant. On other transcripts: intron variant (1).
Genome position (GRCh38, 1-based): chrX:103,785,628-103,785,631, TTCC deleted; deleting any 4 consecutive bases within chrX:103,785,627-103,785,631 gives the same sequence; the c. name uses the placement nearest the transcript's 3' end. VCF-style (leftmost placement, unchanged base first): chrX-103785626-GCTTC-G. GRCh37 (hg19) VCF-style: chrX-103040555-GCTTC-G.
Other names: c.51_54del, p.Ser18fs (NM_001128834.3, NM_199478.3); c.5-119_5-116del (NM_001305004.1); c.51_54delTTCC (NM_000533.5); short protein forms S18fs.
Identifiers: ClinVar variation 3255436 (VCV003255436.2), dbSNP rs2522301037.
Genomic context (GRCh38, chrX:103,785,626, plus strand): 5'-CCTTCTTCTTCCCCAGGCTTGTTAGAGTGCTGTGCAAGATGTCTGGTAGGGGCCCCCTTT[GCTTC>G]CCTGGTGGCCACTGGATTGTGTTTCTTTGGGGTGGCACTGTTCTGTGGCTGTGGACATGA-3'